The following is an entry in ClinVar:

NM_177438.3(DICER1):c.2906C>G (p.Ala969Gly)

Gene: DICER1 (dicer 1, ribonuclease III; minus strand). Cytogenetic location: 14q32.13.
Variant type: single nucleotide variant.
Coding change: c.2906C>G on transcript NM_177438.3 (MANE Select); coding-DNA position 2906, C replaced by G.
Protein change: p.Ala969Gly; replaces alanine 969 with glycine.
Molecular consequence: missense variant. On other transcripts: non-coding transcript variant (6).
Genome position (GRCh38, 1-based): chr14:95,106,122, G>C on the plus strand (C>G on the coding strand, the complement: DICER1 is on the minus strand). VCF-style: chr14-95106122-G-C. GRCh37 (hg19) VCF-style: chr14-95572459-G-C.
Other names: c.2906C>G, p.Ala969Gly (NM_001195573.1, NM_001271282.3, NM_001291628.2 and 13 more transcripts); c.2624C>G, p.Ala875Gly (NM_001395686.1); c.2501C>G, p.Ala834Gly (NM_001395687.1, NM_001395688.1, NM_001395689.1 and 2 more transcripts); c.2339C>G, p.Ala780Gly (NM_001395691.1); c.1223C>G, p.Ala408Gly (NM_001395697.1); short protein forms A408G, A780G, A834G, A875G, A969G.
Identifiers: ClinVar variation 2674818 (VCV002674818.3), dbSNP rs878855253, ClinGen allele CA390878982.

ClinVar aggregate classification (germline): Uncertain significance. Review status: criteria provided, multiple submitters, no conflicts (2 of 4 stars). 2 submissions from 2 submitters: Uncertain significance (2). Last evaluated 2024-04-06.

Conditions:
DICER1-related tumor predisposition. Also called: DICER1-related pleuropulmonary blastoma cancer predisposition syndrome; DICER1 syndrome. Identifiers: Orphanet 284343, MedGen C3839822, MONDO:0100216.
Global developmental delay - lung cysts - overgrowth - Wilms tumor syndrome. Also called: GLOW Syndrome; GLOBAL DEVELOPMENTAL DELAY, LUNG CYSTS, OVERGROWTH, AND WILMS TUMOR. Identifiers: Orphanet 404476, MedGen C4748924, MONDO:0018445, OMIM 618272.

Submissions (2):

Labcorp Genetics (formerly Invitae), Labcorp
Classification: Uncertain significance for DICER1-related tumor predisposition. Last evaluated: 2024-04-06. Review status: criteria provided, single submitter. Criteria: Invitae Variant Classification Sherloc (09022015). Collection method: clinical testing. Allele origin: germline.
Comment: This sequence change replaces alanine, which is neutral and non-polar, with glycine, which is neutral and non-polar, at codon 969 of the DICER1 protein (p.Ala969Gly). This variant is not present in population databases (gnomAD no frequency). This variant has not been reported in the literature in individuals affected with DICER1-related conditions. Advanced modeling of protein sequence and biophysical properties (such as structural, functional, and spatial information, amino acid conservation, physicochemical variation, residue mobility, and thermodynamic stability) performed at Invitae indicates that this missense variant is not expected to disrupt DICER1 protein function with a negative predictive value of 80%. In summary, the available evidence is currently insufficient to determine the role of this variant in disease. Therefore, it has been classified as a Variant of Uncertain Significance.

Baylor Genetics
Classification: Uncertain significance for Global developmental delay - lung cysts - overgrowth - Wilms tumor syndrome. Last evaluated: 2023-07-01. Review status: criteria provided, single submitter. Criteria: ACMG Guidelines, 2015. Collection method: clinical testing. Allele origin: unknown.